The following is an entry in ClinVar:

ClinVar aggregate classification (germline): Uncertain significance. Review status: criteria provided, multiple submitters, no conflicts (2 of 4 stars). 5 submissions from 5 submitters: Uncertain significance (5). Last evaluated 2025-09-29.

Conditions:
Developmental and epileptic encephalopathy, 36 (DEE36). Also called: Epileptic encephalopathy, early infantile, 36; ALG13-CDG; Congenital disorder of glycosylation, type Is. Identifiers: Orphanet 324422, MedGen C4317295, MONDO:0010472, OMIM 300884.

Allele frequency attached by ClinVar (database versions not stated): gnomAD exomes below 0.00001.
gnomAD v4.1: 2 of 1,140,461 alleles (0.00018%); highest among the groups gnomAD compares: Non-Finnish European, 0.00024%; no homozygotes.

Submissions (5):

GeneDx
Classification: Uncertain significance. Last evaluated: 2025-09-29. Review status: criteria provided, single submitter. Criteria: GeneDx Variant Classification Process June 2021. Collection method: clinical testing. Allele origin: germline. Affected: yes.
Comment: Observed in hemizygous state in a patient from a cohort of individuals with autism spectrum disorder in the literature; detailed clinical information was not included (PMID: 36368308); Canonical splice site variant in a gene for which loss-of-function is not an established mechanism of disease; Not observed at significant frequency in large population cohorts (gnomAD); This variant is associated with the following publications: (PMID: 36368308)

Labcorp Genetics (formerly Invitae), Labcorp
Classification: Uncertain significance for Developmental and epileptic encephalopathy, 36. Last evaluated: 2025-08-03. Review status: criteria provided, single submitter. Criteria: Invitae Variant Classification Sherloc (09022015). Collection method: clinical testing. Allele origin: germline.
Comment: This sequence change affects an acceptor splice site in intron 21 of the ALG13 gene. It is expected to disrupt RNA splicing. Variants that disrupt the donor or acceptor splice site typically lead to a loss of protein function (PMID: 16199547), however the current clinical and genetic evidence is not sufficient to establish whether loss-of-function variants in ALG13 cause disease. This variant is not present in population databases (gnomAD no frequency). Disruption of this splice site has been observed in individual(s) with autism spectrum disorder (PMID: 36368308). This variant is also known as X:111735050G>A. ClinVar contains an entry for this variant (Variation ID: 633581). Algorithms developed to predict the effect of sequence changes on RNA splicing suggest that this variant may disrupt the consensus splice site. In summary, the available evidence is currently insufficient to determine the role of this variant in disease. Therefore, it has been classified as a Variant of Uncertain Significance.

Fulgent Genetics
Classification: Uncertain significance for Developmental and epileptic encephalopathy, 36. Last evaluated: 2021-11-03. Review status: criteria provided, single submitter. Criteria: ACMG Guidelines, 2015. Collection method: clinical testing. Allele origin: unknown.

Mayo Clinic Laboratories, Mayo Clinic
Classification: Uncertain significance. Last evaluated: 2019-10-30. Review status: criteria provided, single submitter. Criteria: ACMG Guidelines, 2015. Collection method: clinical testing. Allele origin: germline. Observed: 1 variant allele.

Laboratory of Molecular Genetics (Pr. Bezieau's lab), CHU de Nantes
Classification: Uncertain significance. Last evaluated: 2018-08-01. Review status: criteria provided, single submitter. Criteria: ACMG Guidelines, 2015. Collection method: clinical testing. Allele origin: germline. Affected: yes.

Literature cited by the submitters: PubMed 16199547 (cited by Labcorp Genetics (formerly Invitae), Labcorp); PubMed 36368308 (cited by Labcorp Genetics (formerly Invitae), Labcorp).

NM_001099922.3(ALG13):c.2458-1G>A

Gene: ALG13 (ALG13 UDP-N-acetylglucosaminyltransferase subunit; plus strand). Cytogenetic location: Xq23.
Variant type: single nucleotide variant.
Coding change: c.2458-1G>A on transcript NM_001099922.3 (MANE Select); the canonical splice acceptor site of the intron before coding-DNA position 2458, G replaced by A.
Molecular consequence: splice acceptor variant.
Genome position (GRCh38, 1-based): chrX:111,735,050, G>A. VCF-style: chrX-111735050-G-A. GRCh37 (hg19) VCF-style: chrX-110978278-G-A.
Other names: c.2146-1G>A (NM_001257237.2, NM_001257234.2, NM_001257230.2); c.1972-1G>A (NM_001324293.1); c.2224-1G>A (NM_001257231.2); c.2458-1G>A (NM_001324292.2).
Identifiers: ClinVar variation 633581 (VCV000633581.16), dbSNP rs1008287339, ClinGen allele CA334445084.